The following is an entry in ClinVar:

ClinVar aggregate classification (germline): Uncertain significance. Review status: criteria provided, multiple submitters, no conflicts (2 of 4 stars). 2 submissions from 2 submitters: Uncertain significance (2). Last evaluated 2024-07-22.

Conditions:
Fanconi anemia complementation group I (FANCI). Also called: FANCI-Related Fanconi Anemia. Identifiers: Orphanet 84, MedGen C1836861, MONDO:0012186, OMIM 609053.
Fanconi anemia (FA). Also called: Fanconi's anemia. Identifiers: Orphanet 84, MedGen C0015625, MeSH D005199, MONDO:0019391.

Allele frequency attached by ClinVar (database versions not stated): gnomAD exomes below 0.00001; gnomAD 0.00001; TOPMed 0.00002.
gnomAD v4.1: 5 of 1,614,124 alleles (0.00031%); highest among the groups gnomAD compares: African/African-American, 0.0053%; no homozygotes.

Submissions (2):

Labcorp Genetics (formerly Invitae), Labcorp
Classification: Uncertain significance for Fanconi anemia. Last evaluated: 2024-07-22. Review status: criteria provided, single submitter. Criteria: Invitae Variant Classification Sherloc (09022015). Collection method: clinical testing. Allele origin: germline.
Comment: This sequence change replaces glutamine, which is neutral and polar, with histidine, which is basic and polar, at codon 1109 of the FANCI protein (p.Gln1109His). This variant is present in population databases (no rsID available, gnomAD 0.007%). This variant has not been reported in the literature in individuals affected with FANCI-related conditions. ClinVar contains an entry for this variant (Variation ID: 1366763). An algorithm developed to predict the effect of missense changes on protein structure and function outputs the following: PolyPhen-2: "Benign". The histidine amino acid residue is found in multiple mammalian species, which suggests that this missense change does not adversely affect protein function. In summary, the available evidence is currently insufficient to determine the role of this variant in disease. Therefore, it has been classified as a Variant of Uncertain Significance.

Fulgent Genetics
Classification: Uncertain significance for Fanconi anemia complementation group I. Last evaluated: 2024-01-29. Review status: criteria provided, single submitter. Criteria: ACMG Guidelines, 2015. Collection method: clinical testing. Allele origin: germline.

NM_001113378.2(FANCI):c.3327A>T (p.Gln1109His)

Gene: FANCI (FA complementation group I; plus strand). Cytogenetic location: 15q26.1.
Variant type: single nucleotide variant.
Coding change: c.3327A>T on transcript NM_001113378.2 (MANE Select); coding-DNA position 3327, A replaced by T.
Protein change: p.Gln1109His; replaces glutamine 1109 with histidine.
Molecular consequence: missense variant.
Genome position (GRCh38, 1-based): chr15:89,305,676, A>T. VCF-style: chr15-89305676-A-T. GRCh37 (hg19) VCF-style: chr15-89848907-A-T.
Other names: c.3048A>T, p.Gln1016His (NM_001376910.1); c.3327A>T, p.Gln1109His (NM_001376911.1); c.3147A>T, p.Gln1049His (NM_018193.3); short protein forms Q1049H, Q1109H, Q1016H.
Identifiers: ClinVar variation 1366763 (VCV001366763.5), dbSNP rs1388053700, ClinGen allele CA393739978.
Genomic context (GRCh38, chr15:89,305,676, plus strand): 5'-GAGTCAGGCCGAGAAGGTTCTAGAAGAAGTGGACTGGCTAATCACCAAGCTTAAGGGACA[A>T]GTGAGCCAAGAAACCTTATCAGGTAAGATAAGTTCAACTGGGATTCCAGGAATTGACATG-3'
Protein context (NP_001106849.1, residues 1099-1119): VDWLITKLKG[Gln1109His]VSQETLSEEA